The following is an entry in ClinVar:

ClinVar aggregate classification (germline): Conflicting classifications of pathogenicity. Review status: criteria provided, conflicting classifications (1 of 4 stars). 4 submissions from 3 submitters: Uncertain significance (3); Likely benign (1). Last evaluated 2025-09-28.

Conditions:
Stickler syndrome type 2 (STL2). Also called: STICKLER SYNDROME, TYPE II; STICKLER SYNDROME, BEADED VITREOUS TYPE; STICKLER SYNDROME, VITREOUS TYPE 2; COL11A1-Related Stickler Syndrome. Identifiers: Orphanet 828, Orphanet 90654, MedGen C1858084, MONDO:0011493, OMIM 604841.
Fibrochondrogenesis 1 (FBCG1). Identifiers: Orphanet 2021, MedGen C3278138, MONDO:0009226, OMIM 228520.

Allele frequency attached by ClinVar (database versions not stated): ExAC 0.00002; gnomAD exomes 0.00002; TOPMed 0.00004; gnomAD 0.00005 and 0.00006; ESP Exome Variant Server 0.00008.
gnomAD v4.1: 58 of 1,612,488 alleles (0.0036%); highest among the groups gnomAD compares: Non-Finnish European, 0.0047%; no homozygotes.

Submissions (4):

Labcorp Genetics (formerly Invitae), Labcorp
Classification: Likely benign. Last evaluated: 2025-09-28. Review status: criteria provided, single submitter. Criteria: Invitae Variant Classification Sherloc (09022015). Collection method: clinical testing. Allele origin: germline.

Women's Health and Genetics/Laboratory Corporation of America, LabCorp
Classification: Uncertain significance. Last evaluated: 2024-05-02. Review status: criteria provided, single submitter. Criteria: LabCorp Variant Classification Summary - May 2015. Collection method: clinical testing. Allele origin: germline.
Comment: Variant summary: COL11A1 c.1949C>G (p.Pro650Arg) results in a non-conservative amino acid change in the encoded protein sequence. Four of five in-silico tools predict a damaging effect of the variant on protein function. The variant allele was found at a frequency of 2e-05 in 248896 control chromosomes. The available data on variant occurrences in the general population are insufficient to allow any conclusion about variant significance. To our knowledge, no occurrence of c.1949C>G in individuals affected with Stickler Syndrome and no experimental evidence demonstrating its impact on protein function have been reported. ClinVar contains an entry for this variant (Variation ID: 291527). Based on the evidence outlined above, the variant was classified as uncertain significance.

Illumina Laboratory Services, Illumina
Classification: Uncertain significance for Fibrochondrogenesis 1. Last evaluated: 2018-01-13. Review status: criteria provided, single submitter. Criteria: ICSL Variant Classification Criteria 13 December 2019. Collection method: clinical testing. Allele origin: germline.

Illumina Laboratory Services, Illumina
Classification: Uncertain significance for Stickler syndrome type 2. Last evaluated: 2018-01-13. Review status: criteria provided, single submitter. Criteria: ICSL Variant Classification Criteria 13 December 2019. Collection method: clinical testing. Allele origin: germline.

NM_001854.4(COL11A1):c.1949C>G (p.Pro650Arg)

Gene: COL11A1 (collagen type XI alpha 1 chain; minus strand). Cytogenetic location: 1p21.1.
Variant type: single nucleotide variant.
Coding change: c.1949C>G on transcript NM_001854.4 (MANE Select); coding-DNA position 1949, C replaced by G.
Protein change: p.Pro650Arg; replaces proline 650 with arginine.
Molecular consequence: missense variant. On other transcripts: non-coding transcript variant (1).
Genome position (GRCh38, 1-based): chr1:103,003,264, G>C on the plus strand (C>G on the coding strand, the complement: COL11A1 is on the minus strand). VCF-style: chr1-103003264-G-C. GRCh37 (hg19) VCF-style: chr1-103468820-G-C.
Other names: c.1832C>G, p.Pro611Arg (NM_001190709.2); c.1985C>G, p.Pro662Arg (NM_080629.3); c.1601C>G, p.Pro534Arg (NM_080630.4); short protein forms P662R, P650R, P534R, P611R.
Identifiers: ClinVar variation 291527 (VCV000291527.13), dbSNP rs199875795, ClinGen allele CA974721.